The following is an entry in ClinVar:

NM_001369458.1(NFIB):c.97-91024del

Gene: NFIB (nuclear factor I B; minus strand). Cytogenetic location: 9p22.3.
Variant type: Deletion.
Coding change: c.97-91024del on transcript NM_001369458.1; 91024 bases into the intron before coding-DNA position 97, one base deleted (A; older notation c.97-91024delA).
Molecular consequence: intron variant. On other transcripts: frameshift variant (1).
Genome position (GRCh38, 1-based): chr9:14,398,544, T deleted on the plus strand (A on the coding strand, the reverse complement: NFIB is on the minus strand); the first of 2 consecutive T bases (chr9:14,398,544-14,398,545); deleting either gives the same sequence. VCF-style (leftmost placement, unchanged base first): chr9-14398543-GT-G. GRCh37 (hg19) VCF-style: chr9-14398542-GT-G.
Other names: c.88del, p.Thr30fs (NM_001190738.2); c.97-91024del (NM_001369468.1, NM_001369462.1, NM_001369459.1); short protein forms T30fs.
Identifiers: ClinVar variation 3573562 (VCV003573562.1).

ClinVar aggregate classification (germline): Uncertain significance (1 of 4 stars; one submission).

Submission:

GeneDx
Classification: Uncertain significance. Last evaluated: 2024-07-19. Review status: criteria provided, single submitter. Criteria: GeneDx Variant Classification Process June 2021. Collection method: clinical testing. Allele origin: germline. Affected: yes.
Comment: Frameshift variant predicted to result in protein truncation or nonsense mediated decay in a gene for which loss-of-function is not an established mechanism of disease; Not observed at significant frequency in large population cohorts (gnomAD); Has not been previously published as pathogenic or benign to our knowledge; Reported using an alternate transcript of the gene